The following is an entry in ClinVar:

NM_000540.3(RYR1):c.12624+1G>A

Gene: RYR1 (ryanodine receptor 1; plus strand). Cytogenetic location: 19q13.2.
Variant type: single nucleotide variant.
Coding change: c.12624+1G>A on transcript NM_000540.3 (MANE Select); the canonical splice donor site of the intron after coding-DNA position 12624, G replaced by A.
Molecular consequence: splice donor variant.
Genome position (GRCh38, 1-based): chr19:38,561,455, G>A. VCF-style: chr19-38561455-G-A. GRCh37 (hg19) VCF-style: chr19-39052095-G-A.
Other names: c.12609+1G>A (NM_001042723.2).
Identifiers: ClinVar variation 1995631 (VCV001995631.4), dbSNP rs770054352, ClinGen allele CA405669996.

ClinVar aggregate classification (germline): Likely pathogenic (1 of 4 stars; one submission).

Conditions:
RYR1-related disorder. Also called: RYR1-related condition; RYR1-related disorders. Identifiers: MedGen CN239331.

Submission:

Labcorp Genetics (formerly Invitae), Labcorp
Classification: Likely pathogenic for RYR1-related disorder. Last evaluated: 2023-08-04. Review status: criteria provided, single submitter. Criteria: Invitae Variant Classification Sherloc (09022015). Collection method: clinical testing. Allele origin: germline.
Comment: In summary, the currently available evidence indicates that the variant is pathogenic, but additional data are needed to prove that conclusively. Therefore, this variant has been classified as Likely Pathogenic. Algorithms developed to predict the effect of sequence changes on RNA splicing suggest that this variant may disrupt the consensus splice site. ClinVar contains an entry for this variant (Variation ID: 1995631). Disruption of this splice site has been observed in individual(s) with autosomal recessive RYR1-related myopathy (PMID: 23553484). This variant is not present in population databases (gnomAD no frequency). This sequence change affects a donor splice site in intron 90 of the RYR1 gene. It is expected to disrupt RNA splicing. Variants that disrupt the donor or acceptor splice site typically lead to a loss of protein function (PMID: 16199547), and loss-of-function variants in RYR1 are known to be pathogenic (PMID: 23919265, 25960145, 28818389, 30611313).

Literature cited by the submitters: PubMed 23553484; PubMed 16199547; PubMed 23919265; PubMed 25960145; PubMed 28818389; PubMed 30611313.